The following is an entry in ClinVar:

ClinVar aggregate classification (germline): Likely benign. Review status: criteria provided, multiple submitters, no conflicts (2 of 4 stars). 4 submissions from 4 submitters: Likely benign (3). 1 of the submissions does not count toward it. Last evaluated 2025-08-14.

Conditions:
LAMA1-related disorder. Also called: LAMA1-related condition; LAMA1-related disorders.

Allele frequency attached by ClinVar (database versions not stated): ExAC 0.00002; gnomAD 0.00003; TOPMed 0.00004.
gnomAD v4.1: 73 of 1,613,888 alleles (0.0045%); highest among the groups gnomAD compares: Middle Eastern, 0.016%; no homozygotes.

Submissions (4):

Labcorp Genetics (formerly Invitae), Labcorp
Classification: Likely benign. Last evaluated: 2025-08-14. Review status: criteria provided, single submitter. Criteria: Invitae Variant Classification Sherloc (09022015). Collection method: clinical testing. Allele origin: germline.

Blueprint Genetics
Classification: Likely benign. Last evaluated: 2024-11-22. Review status: criteria provided, single submitter. Criteria: ACMG Guidelines, 2015. Collection method: clinical testing. Allele origin: germline.

CeGaT Center for Human Genetics Tuebingen
Classification: Likely benign. Last evaluated: 2024-05-01. Review status: criteria provided, single submitter. Criteria: CeGaT Center For Human Genetics Tuebingen Variant Classification Criteria Version 2. Collection method: clinical testing. Allele origin: germline. Affected: yes. Observed: 2 variant alleles.
Comment: LAMA1: BP4, BP7

PreventionGenetics, part of Exact Sciences
Classification: Likely benign for LAMA1-related condition. Last evaluated: 2020-03-25. Review status: no assertion criteria provided. Collection method: clinical testing. Allele origin: germline. Not counted in ClinVar's aggregate classification.
Comment: This variant is classified as likely benign based on ACMG/AMP sequence variant interpretation guidelines (Richards et al. 2015 PMID: 25741868, with internal and published modifications).

NM_005559.4(LAMA1):c.3918G>A (p.Thr1306=)

Gene: LAMA1 (laminin subunit alpha 1; minus strand). Cytogenetic location: 18p11.31.
Variant type: single nucleotide variant.
Coding change: c.3918G>A on transcript NM_005559.4 (MANE Select); coding-DNA position 3918, G replaced by A.
Protein change: p.Thr1306=; no amino-acid change (threonine 1306 retained).
Molecular consequence: synonymous variant.
Genome position (GRCh38, 1-based): chr18:7,009,322, C>T on the plus strand (G>A on the coding strand, the complement: LAMA1 is on the minus strand). VCF-style: chr18-7009322-C-T. GRCh37 (hg19) VCF-style: chr18-7009321-C-T.
Other names: c.3918G>A (NM_005559.3).
Identifiers: ClinVar variation 2174686 (VCV002174686.30), dbSNP rs754627841, ClinGen allele CA8882099.